The following is an entry in ClinVar:

NM_001009999.3(KDM1A):c.1540C>G (p.Leu514Val)

Gene: KDM1A (lysine demethylase 1A; plus strand). Cytogenetic location: 1p36.12.
Variant type: single nucleotide variant.
Coding change: c.1540C>G on transcript NM_001009999.3 (MANE Select); coding-DNA position 1540, C replaced by G.
Protein change: p.Leu514Val; replaces leucine 514 with valine.
Molecular consequence: missense variant.
Genome position (GRCh38, 1-based): chr1:23,071,351, C>G. VCF-style: chr1-23071351-C-G. GRCh37 (hg19) VCF-style: chr1-23397844-C-G.
Other names: c.1468C>G, p.Leu490Val (NM_001363654.2, NM_001410763.1, NM_015013.4); c.1528C>G, p.Leu510Val (NM_001410762.1); short protein forms L490V, L510V, L514V.
Identifiers: ClinVar variation 3863310 (VCV003863310.1).

ClinVar aggregate classification (germline): Uncertain significance (1 of 4 stars; one submission).

Conditions:
Inborn genetic diseases. Identifiers: MedGen C0950123, MeSH D030342.

Submission:

Ambry Genetics
Classification: Uncertain significance for Inborn genetic diseases. Last evaluated: 2025-02-05. Review status: criteria provided, single submitter. Criteria: Ambry Variant Classification Scheme 2023. Collection method: clinical testing. Allele origin: germline.
Comment: The p.L514V variant (also known as c.1540C>G), located in coding exon 13 of the KDM1A gene, results from a C to G substitution at nucleotide position 1540. The leucine at codon 514 is replaced by valine, an amino acid with highly similar properties. This amino acid position is conserved. In addition, this alteration is predicted to be tolerated by in silico analysis. Based on the available evidence, the clinical significance of this variant remains unclear.